The following is an entry in ClinVar:

ClinVar aggregate classification (germline): Uncertain significance. Review status: criteria provided, multiple submitters, no conflicts (2 of 4 stars). 2 submissions from 2 submitters: Uncertain significance (2). Last evaluated 2023-03-29.

Allele frequency attached by ClinVar (database versions not stated): gnomAD 0.00001; gnomAD exomes 0.00001.
gnomAD v4.1: 6 of 1,613,874 alleles (0.00037%); highest among the groups gnomAD compares: African/African-American, 0.0013%; no homozygotes.

Submissions (2):

Blueprint Genetics
Classification: Uncertain significance. Last evaluated: 2023-03-29. Review status: criteria provided, single submitter. Criteria: ACMG Guidelines, 2015. Collection method: clinical testing. Allele origin: germline.

Labcorp Genetics (formerly Invitae), Labcorp
Classification: Uncertain significance. Last evaluated: 2021-09-17. Review status: criteria provided, single submitter. Criteria: Invitae Variant Classification Sherloc (09022015). Collection method: clinical testing. Allele origin: germline.
Comment: This sequence change replaces glycine with tryptophan at codon 2801 of the USH2A protein (p.Gly2801Trp). The glycine residue is highly conserved and there is a large physicochemical difference between glycine and tryptophan. This variant is not present in population databases (ExAC no frequency). This variant has been observed in individual(s) with retinitis pigmentosa (Invitae). Algorithms developed to predict the effect of missense changes on protein structure and function (SIFT, PolyPhen-2, Align-GVGD) all suggest that this variant is likely to be disruptive. In summary, the available evidence is currently insufficient to determine the role of this variant in disease. Therefore, it has been classified as a Variant of Uncertain Significance.

NM_206933.4(USH2A):c.8401G>T (p.Gly2801Trp)

Gene: USH2A (usherin; minus strand). Cytogenetic location: 1q41.
Variant type: single nucleotide variant.
Coding change: c.8401G>T on transcript NM_206933.4 (MANE Select); coding-DNA position 8401, G replaced by T.
Protein change: p.Gly2801Trp; replaces glycine 2801 with tryptophan.
Molecular consequence: missense variant.
Genome position (GRCh38, 1-based): chr1:215,878,921, C>A on the plus strand (G>T on the coding strand, the complement: USH2A is on the minus strand). VCF-style: chr1-215878921-C-A. GRCh37 (hg19) VCF-style: chr1-216052263-C-A.
Other names: short protein forms G2801W.
Identifiers: ClinVar variation 1394769 (VCV001394769.6), dbSNP rs1158558641, ClinGen allele CA344831324.
Genomic context (GRCh38, chr1:215,878,921, plus strand): 5'-GTACGGTGGGGTGAGTGGTAACATAGGTAGGTAAACTCTCTGTGCACCCTCCAAGGTACC[C>A]ATTACCCCCTGAGCAAGCAACAATGGTGACAGAATAATTAGTGAAAGGAATCAGATGAGT-3'
Protein context (NP_996816.3, residues 2791-2811): VTIVACSGGN[Gly2801Trp]YLGGCTESLP